The following is an entry in ClinVar:

ClinVar aggregate classification (germline): Benign/Likely benign; other. Review status: criteria provided, multiple submitters, no conflicts (2 of 4 stars). 6 submissions from 6 submitters: Benign (1); Likely benign (2). 2 of the submissions do not count toward it. Last evaluated 2024-07-01.

Conditions:
TPMT-related disorder. Also called: TPMT-related condition.
Thiopurine S-methyltransferase deficiency. Also called: Thiopurine S methyltranferase deficiency; THIOPURINES, POOR METABOLISM OF, 1; TPMT deficiency. Identifiers: MedGen C0342801, MONDO:0012503, OMIM 610460. Disease mechanism: loss of function.

Allele frequency attached by ClinVar (database versions not stated): 1000 Genomes Project 0.01278; 1000 Genomes Project 30x 0.01421; gnomAD 0.02588 and 0.02661; TOPMed 0.02658; ExAC 0.02749; gnomAD exomes 0.02804.
gnomAD v4.1: 56,545 of 1,611,706 alleles (3.5%); highest among the groups gnomAD compares: Admixed American, 4.2%; 1,261 homozygotes.

Submissions (6):

CeGaT Center for Human Genetics Tuebingen
Classification: Benign. Last evaluated: 2024-07-01. Review status: criteria provided, single submitter. Criteria: CeGaT Center For Human Genetics Tuebingen Variant Classification Criteria Version 2. Collection method: clinical testing. Allele origin: germline. Affected: yes. Observed: 1 variant allele.
Comment: TPMT: BS1, BS2

GeneDx
Classification: Likely benign. Last evaluated: 2018-03-14. Review status: criteria provided, single submitter. Criteria: GeneDx Variant Classification (06012015). Collection method: clinical testing. Allele origin: germline. Affected: yes.
Comment: This variant is considered likely benign or benign based on one or more of the following criteria: it is a conservative change, it occurs at a poorly conserved position in the protein, it is predicted to be benign by multiple in silico algorithms, and/or has population frequency not consistent with disease.

Eurofins Ntd Llc (ga)
Classification: other. Last evaluated: 2015-08-11. Review status: criteria provided, single submitter. Criteria: EGL Classification Definitions 2015. Collection method: clinical testing. Allele origin: germline. Observed: 15 variant alleles, 15 heterozygotes.

Breakthrough Genomics
Classification: Likely benign. Review status: criteria provided, single submitter. Criteria: ACMG Guidelines, 2015. Collection method: not provided. Allele origin: germline. Inheritance: Autosomal recessive inheritance. Affected: yes.

PreventionGenetics, part of Exact Sciences
Classification: Likely benign for TPMT-related condition. Last evaluated: 2021-07-22. Review status: no assertion criteria provided. Collection method: clinical testing. Allele origin: germline. Not counted in ClinVar's aggregate classification.
Comment: This variant is classified as likely benign based on ACMG/AMP sequence variant interpretation guidelines (Richards et al. 2015 PMID: 25741868, with internal and published modifications).

OMIM
Classification: drug response for THIOPURINES, POOR METABOLISM OF, 1. Last evaluated: 1999-02-01. Review status: no assertion criteria provided. Collection method: literature only. Allele origin: germline. Not counted in ClinVar's aggregate classification.

Literature cited by the submitters: PubMed 8561894 (cited by OMIM); PubMed 9931345 (cited by OMIM).

NM_000367.5(TPMT):c.460G>A (p.Ala154Thr)

Gene: TPMT (thiopurine S-methyltransferase; minus strand). Cytogenetic location: 6p22.3.
Variant type: single nucleotide variant.
Coding change: c.460G>A on transcript NM_000367.5 (MANE Select); coding-DNA position 460, G replaced by A.
Protein change: p.Ala154Thr; replaces alanine 154 with threonine.
Molecular consequence: missense variant.
Genome position (GRCh38, 1-based): chr6:18,138,997, C>T on the plus strand (G>A on the coding strand, the complement: TPMT is on the minus strand). VCF-style: chr6-18138997-C-T. GRCh37 (hg19) VCF-style: chr6-18139228-C-T.
Other names: TPMT*3B; 460G>A; c.460G>A, p.Ala154Thr (NM_001346817.1, NM_001346818.1); c.460G>A (NM_000367.4); short protein forms A154T.
Identifiers: ClinVar variation 37126 (VCV000037126.124), dbSNP rs1800460, ClinGen allele CA122645.